The following is an entry in ClinVar:

ClinVar aggregate classification (germline): Uncertain significance. Review status: criteria provided, multiple submitters, no conflicts (2 of 4 stars). 2 submissions from 2 submitters: Uncertain significance (2). Last evaluated 2025-04-29.

Conditions:
Hypertrophic cardiomyopathy. Also called: HYPERTROPHIC MYOCARDIOPATHY. Identifiers: Orphanet 217569, MedGen C0007194, MeSH D002312, MONDO:0005045, HP:0001639.

Submissions (2):

Labcorp Genetics (formerly Invitae), Labcorp
Classification: Uncertain significance for Hypertrophic cardiomyopathy. Last evaluated: 2025-04-29. Review status: criteria provided, single submitter. Criteria: Invitae Variant Classification Sherloc (09022015). Collection method: clinical testing. Allele origin: germline.
Comment: This sequence change replaces leucine, which is neutral and non-polar, with serine, which is neutral and polar, at codon 428 of the MYBPC3 protein (p.Leu428Ser). This variant is not present in population databases (gnomAD no frequency). This variant has not been reported in the literature in individuals affected with MYBPC3-related conditions. ClinVar contains an entry for this variant (Variation ID: 2577825). An algorithm developed to predict the effect of missense changes on protein structure and function (PolyPhen-2) suggests that this variant is likely to be disruptive. In summary, the available evidence is currently insufficient to determine the role of this variant in disease. Therefore, it has been classified as a Variant of Uncertain Significance.

GeneDx
Classification: Uncertain significance. Last evaluated: 2023-08-16. Review status: criteria provided, single submitter. Criteria: GeneDx Variant Classification Process June 2021. Collection method: clinical testing. Allele origin: germline. Affected: yes.
Comment: Not observed at significant frequency in large population cohorts (gnomAD); In silico analysis supports that this missense variant has a deleterious effect on protein structure/function; This variant is associated with the following publications: (PMID: 26272908)

NM_000256.3(MYBPC3):c.1283T>C (p.Leu428Ser)

Gene: MYBPC3 (myosin binding protein C3; minus strand). Cytogenetic location: 11p11.2.
Variant type: single nucleotide variant.
Coding change: c.1283T>C on transcript NM_000256.3 (MANE Select); coding-DNA position 1283, T replaced by C.
Protein change: p.Leu428Ser; replaces leucine 428 with serine.
Molecular consequence: missense variant.
Genome position (GRCh38, 1-based): chr11:47,343,089, A>G on the plus strand (T>C on the coding strand, the complement: MYBPC3 is on the minus strand). VCF-style: chr11-47343089-A-G. GRCh37 (hg19) VCF-style: chr11-47364640-A-G.
Other names: short protein forms L428S.
Identifiers: ClinVar variation 2577825 (VCV002577825.2), dbSNP rs2495764231, ClinGen allele CA380327382.